The following is an entry in ClinVar:

NM_014014.5(SNRNP200):c.4933G>T (p.Val1645Leu)

Gene: SNRNP200 (small nuclear ribonucleoprotein U5 subunit 200; minus strand). Cytogenetic location: 2q11.2.
Variant type: single nucleotide variant.
Coding change: c.4933G>T on transcript NM_014014.5 (MANE Select); coding-DNA position 4933, G replaced by T.
Protein change: p.Val1645Leu; replaces valine 1645 with leucine.
Molecular consequence: missense variant.
Genome position (GRCh38, 1-based): chr2:96,281,905, C>A on the plus strand (G>T on the coding strand, the complement: SNRNP200 is on the minus strand). VCF-style: chr2-96281905-C-A. GRCh37 (hg19) VCF-style: chr2-96947643-C-A.
Other names: short protein forms V1645L.
Identifiers: ClinVar variation 4760791 (VCV004760791.1).
Genomic context (GRCh38, chr2:96,281,905, plus strand): 5'-CCATGATGATTACCAGGTGGGCAGCCACGTTCATGCCCCAGCAGAGACTCCGAGAAGCCA[C>A]CACCACCTGGATAGCCCCTGAGCAGTAGAGGGGAGAGGAAGGCTGAGGGCAGGGGTCTCC-3'
Protein context (NP_054733.2, residues 1635-1655): LFSSGAIQVV[Val1645Leu]ASRSLCWGMN

ClinVar aggregate classification (germline): Uncertain significance (1 of 4 stars; one submission).

Submission:

Labcorp Genetics (formerly Invitae), Labcorp
Classification: Uncertain significance. Last evaluated: 2025-09-29. Review status: criteria provided, single submitter. Criteria: Invitae Variant Classification Sherloc (09022015). Collection method: clinical testing. Allele origin: germline.
Comment: This sequence change replaces valine, which is neutral and non-polar, with leucine, which is neutral and non-polar, at codon 1645 of the SNRNP200 protein (p.Val1645Leu). This variant is not present in population databases (gnomAD no frequency). This variant has not been reported in the literature in individuals affected with SNRNP200-related conditions. Invitae Evidence Modeling of protein sequence and biophysical properties (such as structural, functional, and spatial information, amino acid conservation, physicochemical variation, residue mobility, and thermodynamic stability) indicates that this missense variant is not expected to disrupt SNRNP200 protein function with a negative predictive value of 95%. In summary, the available evidence is currently insufficient to determine the role of this variant in disease. Therefore, it has been classified as a Variant of Uncertain Significance.